The following is an entry in ClinVar:

NM_144670.6(A2ML1):c.3718-16_3791dup

Gene: A2ML1 (alpha-2-macroglobulin like 1; plus strand). Cytogenetic location: 12p13.31.
Variant type: Duplication.
Coding change: c.3718-16_3791dup on transcript NM_144670.6 (MANE Select); 16 bases into the intron before coding-DNA position 3718 through coding-DNA position 3791, 90 bases duplicated.
Molecular consequence: splice acceptor variant.
Genome position (GRCh38, 1-based): chr12:8,867,826-8,867,915, 90 bases duplicated. GRCh37 (hg19): chr12:9,020,422-9,020,511.
Other names: c.2245-16_2318dup (NM_001282424.3).
Identifiers: ClinVar variation 917825 (VCV000917825.1), dbSNP rs1944470043, ClinGen allele CA1139662508.

ClinVar aggregate classification (germline): Uncertain significance (1 of 4 stars; one submission).

Submission:

Women's Health and Genetics/Laboratory Corporation of America, LabCorp
Classification: Uncertain significance. Last evaluated: 2020-04-27. Review status: criteria provided, single submitter. Criteria: LabCorp Variant Classification Summary - May 2015. Collection method: clinical testing. Allele origin: germline.
Comment: Variant summary: A2ML1 c.3718-16_3791dup90 alters a conserved nucleotide located close to a canonical splice site and therefore could affect mRNA splicing, leading to a significantly altered protein sequence. 4/4 computational tools predict no significant impact on normal splicing. However, these predictions have yet to be confirmed by functional studies. The variant was absent in 249254 control chromosomes. The available data on variant occurrences in the general population are insufficient to allow any conclusion about variant significance. To our knowledge, no occurrence of c.3718-16_3791dup90 in individuals affected with Noonan Syndrome And Related Conditions and no experimental evidence demonstrating its impact on protein function have been reported. No clinical diagnostic laboratories have submitted clinical-significance assessments for this variant to ClinVar after 2014. Based on the evidence outlined above, the variant was classified as uncertain significance.